The following is an entry in ClinVar:

ClinVar aggregate classification (germline): Conflicting classifications of pathogenicity. Review status: criteria provided, conflicting classifications (1 of 4 stars). 11 submissions from 11 submitters: Pathogenic (2); Likely pathogenic (6); Uncertain significance (2). 1 of the submissions does not count toward it. Last evaluated 2025-08-15.

Conditions:
Neurodevelopmental disorder with seizures and speech and walking impairment. Identifiers: MedGen C5193119, MONDO:0032775, OMIM 618480.

Allele frequency attached by ClinVar (database versions not stated): 1000 Genomes Project 30x 0.00016; 1000 Genomes Project 0.00020; ESP Exome Variant Server 0.00023; TOPMed 0.00025; gnomAD 0.00027 and 0.00028; ExAC 0.00032; gnomAD exomes 0.00034 and 0.00042.
gnomAD v4.1: 543 of 1,613,700 alleles (0.034%); highest among the groups gnomAD compares: Non-Finnish European, 0.034%; no homozygotes.

Submissions (17):

Variantyx, Inc.
Classification: Pathogenic for Neurodevelopmental disorder with seizures and speech and walking impairment. Last evaluated: 2025-08-15. Review status: criteria provided, single submitter. Criteria: Variantyx Assertion Criteria 2022. Collection method: clinical testing. Allele origin: germline. Inheritance: Autosomal recessive inheritance. Affected: no.
Comment: This is a canonical splicing variant in the DHPS gene (OMIM: 600944). Pathogenic variants in this gene have been associated with autosomal recessive neurodevelopmental disorder with seizures and speech and walking impairment. This variant has been identified in the compound heterozygous state in at least 3 individuals reported in the published literature (PMID: 30661771) (PM3_Strong). It has a 0.0336% maximum allele frequency in non-founder control populations (PM2). Based on the current evidence, this variant is classified as pathogenic for autosomal recessive neurodevelopmental disorder with seizures and speech and walking impairment.

Revvity Omics, Revvity
Classification: Likely pathogenic for Neurodevelopmental disorder with seizures and speech and walking impairment. Last evaluated: 2025-06-11. Review status: criteria provided, single submitter. Criteria: ACMG Guidelines, 2015. Collection method: clinical testing. Allele origin: germline.

Blueprint Genetics
Classification: Uncertain significance. Last evaluated: 2024-11-07. Review status: criteria provided, single submitter. Criteria: ACMG Guidelines, 2015. Collection method: clinical testing. Allele origin: germline.

Victorian Clinical Genetics Services, Murdoch Childrens Research Institute
Classification: Pathogenic for Neurodevelopmental disorder with seizures and speech and walking impairment. Last evaluated: 2024-10-09. Review status: criteria provided, single submitter. Criteria: ACMG Guidelines, 2015. Collection method: clinical testing. Allele origin: germline. Inheritance: Autosomal recessive inheritance. Affected: yes.
Comment: Based on the classification scheme VCGS_Germline_v1.3.4, this variant is classified as Pathogenic. Following criteria are met: 0102 - Loss of function is a known mechanism of disease in this gene and is associated with neurodevelopmental disorder with seizures and speech and walking impairment (MIM#618480). (I) 0106 - This gene is associated with autosomal recessive disease. (I) 0209 - Splice site variant proven to affect splicing of the transcript with uncertain effect on protein sequence. cDNA analysis demonstrates this variant results in exon skipping, however, the protein outcome is uncertain (PMID: 30661771). (SP) 0251 - This variant is heterozygous. (I) 0304 - Variant is present in gnomAD (v2) <0.01 for a recessive condition (120 heterozygotes, 0 homozygotes). (SP) 0705 - No comparable splice site variants have previous evidence for pathogenicity. (I) 0801 - This variant has strong previous evidence of pathogenicity in unrelated individuals. This variant has been reported as likely pathogenic three times in ClinVar and has been reported as compound heterozygous with p.(Asn173Ser) in three affected individuals from two families (PMID: 30661771). (SP) 1201 - Heterozygous variant detected in trans with a second pathogenic heterozygous variant (NM_001930.3:c.518A>G) in a recessive disease. (I) Legend: (SP) - Supporting pathogenic, (I) - Information, (SB) - Supporting benign

Greenwood Genetic Center Diagnostic Laboratories, Greenwood Genetic Center
Classification: Likely pathogenic for Neurodevelopmental disorder with seizures and speech and walking impairment. Last evaluated: 2022-12-14. Review status: criteria provided, single submitter. Criteria: ACMG Guidelines, 2015. Collection method: clinical testing. Allele origin: germline. Affected: yes.
Comment: PS3, PM3, PP1

Department of Pathology and Laboratory Medicine, Sinai Health System
Classification: Likely pathogenic for Neurodevelopmental disorder with seizures and speech and walking impairment. Last evaluated: 2022-08-11. Review status: criteria provided, single submitter. Criteria: ACMG Guidelines, 2015. Collection method: research. Allele origin: germline.

UNC Molecular Genetics  Laboratory, University of North Carolina at Chapel Hill
Classification: Likely pathogenic for Neurodevelopmental disorder with seizures and speech and walking impairment. Last evaluated: 2022-01-25. Review status: criteria provided, single submitter. Criteria: ACMG Guidelines, 2015. Collection method: research. Allele origin: unknown. Observed: 1 variant allele. Study: CSER_NCGENES_2.
Comment: The DHPS c.1014+1G>A variant is predicted to disrupt a canonical splice donor site. This variant is observed in gnomAD v2.1.1 with a global minor allele frequency of 0.04% (120 alleles/282,232 alleles, 0 homozygotes). DHPS c.1014+1G>A has been previously reported in trans with DHPS c.518A>G p.(Asn173Ser) in multiple individuals with an autosomal recessive neurodevelopmental disorder (PMID 30661771). Analysis of RNA from an affected individual suggests this variant results in exon 7 and 8 skipping and introduction of a frameshift and premature termination codon in the last exon (PMID 30661771). Therefore, this variant is classified as likely pathogenic.

AiLife Diagnostics
Classification: Likely pathogenic. Last evaluated: 2021-02-21. Review status: criteria provided, single submitter. Criteria: ACMG Guidelines, 2015. Collection method: clinical testing. Allele origin: germline. Affected: yes. Observed: 1 variant allele.

Illumina Laboratory Services, Illumina
Classification: Likely pathogenic for Neurodevelopmental disorder with seizures and speech and walking impairment. Last evaluated: 2020-04-23. Review status: criteria provided, single submitter. Criteria: ICSLVariantClassificationCriteria RUGD 01 April 2020. Collection method: clinical testing. Allele origin: unknown.
Comment: The DHPS c.1014+1G>A variant results in a substitution at the consensus splice acceptor site, which is has been shown to result in removal of coding exons 7 and 8 and a premature termination of the protein (Ganapathi et al. 2019). This variant has been identified in individuals with a phenotype consistent with a neurodevelopmental disorder from two unrelated families (Ganapathi et al. 2019). The highest frequency of this allele in the Genome Aggregation Database is 0.001358 in the Ashkenazi Jewish population (version 2.1.1). Functional studies show that the c.1014+1G>A variant Based on the evidence the c.1014+1G>A variant is classified as likely pathogenic for neurodevelopmental disorder with seizures and speech and walking impairment

GeneDx
Classification: Uncertain significance. Last evaluated: 2018-07-05. Review status: criteria provided, single submitter. Criteria: GeneDx Variant Classification (06012015). Collection method: clinical testing. Allele origin: germline. Affected: yes.
Comment: The c.1014+1G>A variant in the DHPS gene has not been reported previously as a pathogenic variant nor as a benign variant, to our knowledge. This splice site variant destroys the canonical splice donor site in intron 8. It is predicted to cause abnormal gene splicing, either leading to an abnormal message that is subject to nonsense-mediated mRNA decay, or to an abnormal protein product if the message is used for protein translation. Although not identified in the homozygous state, the c.1014+1G>A variant is observed in 13/10,098 (0.13%) alleles from individuals of Ashkenazi Jewish background, and in 118/276,550 total alleles, in large population cohorts (Lek et al., 2016). We interpret c.1014+1G>A as a variant of uncertain significance.

OMIM
Classification: Pathogenic for NEURODEVELOPMENTAL DISORDER WITH SEIZURES AND SPEECH AND WALKING IMPAIRMENT. Last evaluated: 2019-06-24. Review status: no assertion criteria provided. Collection method: literature only. Allele origin: germline. Not counted in ClinVar's aggregate classification.

Dr. Peter K. Rogan Lab, Western University
No classification provided (evidence only). Condition: Clear cell carcinoma of kidney. Review status: no classification provided. Collection method: in vitro. Allele origin: not applicable. Functional consequence: skipped exon, retained intron. Not counted in ClinVar's aggregate classification.

Dr. Peter K. Rogan Lab, Western University
No classification provided (evidence only). Condition: Familial cancer of breast. Review status: no classification provided. Collection method: in vitro. Allele origin: not applicable. Functional consequence: skipped exon, retained intron. Not counted in ClinVar's aggregate classification.

Dr. Peter K. Rogan Lab, Western University
No classification provided (evidence only). Condition: Colon adenocarcinoma. Review status: no classification provided. Collection method: in vitro. Allele origin: not applicable. Functional consequence: skipped exon, retained intron. Not counted in ClinVar's aggregate classification.

Dr. Peter K. Rogan Lab, Western University
No classification provided (evidence only). Condition: Colon adenocarcinoma. Review status: no classification provided. Collection method: in vitro. Allele origin: not applicable. Functional consequence: skipped exon, retained intron. Not counted in ClinVar's aggregate classification.

Dr. Peter K. Rogan Lab, Western University
No classification provided (evidence only). Condition: Thyroid cancer, nonmedullary, 1. Review status: no classification provided. Collection method: in vitro. Allele origin: not applicable. Functional consequence: skipped exon, retained intron. Not counted in ClinVar's aggregate classification.

Dr. Peter K. Rogan Lab, Western University
No classification provided (evidence only). Condition: Sarcoma. Review status: no classification provided. Collection method: in vitro. Allele origin: not applicable. Functional consequence: skipped exon, retained intron. Not counted in ClinVar's aggregate classification.

Literature cited by the submitters: PubMed 30661771 (cited by 5 submitters).

NM_001930.4(DHPS):c.1014+1G>A

Gene: DHPS (deoxyhypusine synthase; minus strand). Cytogenetic location: 19p13.13.
Variant type: single nucleotide variant.
Coding change: c.1014+1G>A on transcript NM_001930.4 (MANE Select); the canonical splice donor site of the intron after coding-DNA position 1014, G replaced by A.
Molecular consequence: splice donor variant. On other transcripts: intron variant (1).
Genome position (GRCh38, 1-based): chr19:12,676,016, C>T on the plus strand (G>A on the coding strand, the complement: DHPS is on the minus strand). VCF-style: chr19-12676016-C-T. GRCh37 (hg19) VCF-style: chr19-12786830-C-T.
Other names: NC_000019.9:g.12786830C>T; IVS8DS, G-A, +1; c.465+1G>A (NM_001369693.1); c.785-140G>A (NM_001369692.1); c.873+1G>A (NM_013406.3); c.950+1G>A (NM_001369691.1); c.888+1G>A (NM_001206974.2).
Identifiers: ClinVar variation 560196 (VCV000560196.16), dbSNP rs142633494, ClinGen allele CA9227586.